The following is an entry in ClinVar:

ClinVar aggregate classification (germline): Likely benign. Review status: criteria provided, multiple submitters, no conflicts (2 of 4 stars). 4 submissions from 4 submitters: Likely benign (4). Last evaluated 2026-04-01.

Conditions:
CABP4-related disorder. Also called: CABP4-related condition.

Allele frequency attached by ClinVar (database versions not stated): gnomAD exomes 0.00001; gnomAD 0.00002 and 0.00003; TOPMed 0.00005; ESP Exome Variant Server 0.00008.
gnomAD v4.1: 21 of 1,612,842 alleles (0.0013%); highest among the groups gnomAD compares: African/African-American, 0.0053%; no homozygotes.

Submissions (4):

CeGaT Center for Human Genetics Tuebingen
Classification: Likely benign. Last evaluated: 2026-04-01. Review status: criteria provided, single submitter. Criteria: CeGaT Center For Human Genetics Tuebingen Variant Classification Criteria Version 2. Collection method: clinical testing. Allele origin: germline. Affected: yes. Observed: 1 variant allele.
Comment: CABP4: BP4, BP7

PreventionGenetics, part of Exact Sciences
Classification: Likely benign for CABP4-related condition. Last evaluated: 2025-06-24. Review status: criteria provided, single submitter. Criteria: ACMG Guidelines, 2015. Collection method: clinical testing. Allele origin: germline.
Comment: This variant is classified as likely benign based on ACMG/AMP sequence variant interpretation guidelines (Richards et al. 2015 PMID: 25741868, with internal and published modifications).

Labcorp Genetics (formerly Invitae), Labcorp
Classification: Likely benign. Last evaluated: 2024-10-27. Review status: criteria provided, single submitter. Criteria: Invitae Variant Classification Sherloc (09022015). Collection method: clinical testing. Allele origin: germline.

Blueprint Genetics
Classification: Likely benign. Last evaluated: 2020-10-07. Review status: criteria provided, single submitter. Criteria: ACMG Guidelines, 2015. Collection method: clinical testing. Allele origin: germline.

NM_145200.5(CABP4):c.498C>T (p.Thr166=)

Gene: CABP4 (calcium binding protein 4; plus strand). Cytogenetic location: 11q13.2.
Variant type: single nucleotide variant.
Coding change: c.498C>T on transcript NM_145200.5 (MANE Select); coding-DNA position 498, C replaced by T.
Protein change: p.Thr166=; no amino-acid change (threonine 166 retained).
Molecular consequence: synonymous variant.
Genome position (GRCh38, 1-based): chr11:67,456,399, C>T. VCF-style: chr11-67456399-C-T. GRCh37 (hg19) VCF-style: chr11-67223870-C-T.
Other names: c.183C>T, p.Thr61= (NM_001300895.3, NM_001300896.3, NM_001379183.1); c.498C>T (NM_145200.3).
Identifiers: ClinVar variation 1125951 (VCV001125951.13), dbSNP rs139927588, ClinGen allele CA224143713.